The following is an entry in ClinVar:

NM_000263.4(NAGLU):c.1331C>T (p.Ala444Val)

Gene: NAGLU (N-acetyl-alpha-glucosaminidase; plus strand). Cytogenetic location: 17q21.2.
Variant type: single nucleotide variant.
Coding change: c.1331C>T on transcript NM_000263.4 (MANE Select); coding-DNA position 1331, C replaced by T.
Protein change: p.Ala444Val; replaces alanine 444 with valine.
Molecular consequence: missense variant.
Genome position (GRCh38, 1-based): chr17:42,543,337, C>T. VCF-style: chr17-42543337-C-T. GRCh37 (hg19) VCF-style: chr17-40695355-C-T.
Other names: short protein forms A444V.
Identifiers: ClinVar variation 1209587 (VCV001209587.7), dbSNP rs767179184, ClinGen allele CA8576998.

ClinVar aggregate classification (germline): Uncertain significance. Review status: criteria provided, multiple submitters, no conflicts (2 of 4 stars). 3 submissions from 2 submitters: Uncertain significance (3). Last evaluated 2024-10-25.

Conditions:
Charcot-Marie-Tooth disease axonal type 2V. Also called: CHARCOT-MARIE-TOOTH NEUROPATHY, TYPE 2V; CHARCOT-MARIE-TOOTH DISEASE, AXONAL, AUTOSOMAL DOMINANT, TYPE 2V. Identifiers: Orphanet 447964, MedGen C5569050, MONDO:0014665, OMIM 616491.
Mucopolysaccharidosis, MPS-III-B (MPS3B). Also called: N-ACETYL-ALPHA-D-GLUCOSAMINIDASE DEFICIENCY; NAGLU DEFICIENCY; SANFILIPPO SYNDROME B; MPS III B; MUCOPOLYSACCHARIDOSIS, TYPE IIIB; MPS IIIB (Sanfilippo Syndrome Type B). Identifiers: Orphanet 79270, MedGen C0086648, MONDO:0009656, OMIM 252920.

Allele frequency attached by ClinVar (database versions not stated): TOPMed below 0.00001; gnomAD 0.00001 and 0.00003.
gnomAD v4.1: 48 of 1,613,050 alleles (0.003%); highest among the groups gnomAD compares: Middle Eastern, 0.049%; no homozygotes.

Submissions (3):

Labcorp Genetics (formerly Invitae), Labcorp
Classification: Uncertain significance for Charcot-Marie-Tooth disease axonal type 2V; Mucopolysaccharidosis, MPS-III-B. Last evaluated: 2024-10-25. Review status: criteria provided, single submitter. Criteria: Invitae Variant Classification Sherloc (09022015). Collection method: clinical testing. Allele origin: germline.
Comment: This sequence change replaces alanine, which is neutral and non-polar, with valine, which is neutral and non-polar, at codon 444 of the NAGLU protein (p.Ala444Val). This variant is present in population databases (rs767179184, gnomAD 0.03%). This variant has not been reported in the literature in individuals affected with NAGLU-related conditions. ClinVar contains an entry for this variant (Variation ID: 1209587). Invitae Evidence Modeling of protein sequence and biophysical properties (such as structural, functional, and spatial information, amino acid conservation, physicochemical variation, residue mobility, and thermodynamic stability) indicates that this missense variant is not expected to disrupt NAGLU protein function with a negative predictive value of 80%. Experimental studies have shown that this missense change does not substantially affect NAGLU function (PMID: 29979746). In summary, the available evidence is currently insufficient to determine the role of this variant in disease. Therefore, it has been classified as a Variant of Uncertain Significance.

Genome-Nilou Lab
Classification: Uncertain significance for Charcot-Marie-Tooth disease axonal type 2V. Last evaluated: 2021-07-14. Review status: criteria provided, single submitter. Criteria: ACMG Guidelines, 2015. Collection method: clinical testing. Allele origin: germline. Affected: no.

Genome-Nilou Lab
Classification: Uncertain significance for Mucopolysaccharidosis, MPS-III-B. Last evaluated: 2021-07-14. Review status: criteria provided, single submitter. Criteria: ACMG Guidelines, 2015. Collection method: clinical testing. Allele origin: germline. Affected: no.

Literature cited by the submitters: PubMed 29979746 (cited by Labcorp Genetics (formerly Invitae), Labcorp).